The following is an entry in ClinVar:

ClinVar aggregate classification (germline): Benign (1 of 4 stars; one submission).

Conditions:
Neurofibromatosis, type 1 (NF1). Also called: VON RECKLINGHAUSEN DISEASE; NEUROFIBROMATOSIS, TYPE I, SOMATIC; Peripheral type neurofibromatosis; Neurofibromatosis, type I. Identifiers: Orphanet 636, MedGen C0027831, MONDO:0018975, OMIM 162200. Disease mechanism: loss of function.

Submission:

Myriad Genetics, Inc.
Classification: Benign for Neurofibromatosis, type 1. Last evaluated: 2026-09-28. Review status: criteria provided, single submitter. Criteria: Myriad Autosomal Dominant, Autosomal Recessive and X-Linked Classification Criteria (2023). Collection method: clinical testing. Allele origin: unknown.
Comment: This variant is considered benign. This variant is intronic and is not expected to impact mRNA splicing.

NM_001042492.3(NF1):c.5269-19del

Gene: NF1 (neurofibromin 1; plus strand). Cytogenetic location: 17q11.2.
Variant type: Deletion.
Coding change: c.5269-19del on transcript NM_001042492.3 (MANE Select); 19 bases into the intron before coding-DNA position 5269, one base deleted (C; older notation c.5269-19delC).
Molecular consequence: intron variant.
Genome position (GRCh38, 1-based): chr17:31,327,480, C deleted; the last of 4 consecutive C bases (chr17:31,327,477-31,327,480); deleting any one gives the same sequence. VCF-style (leftmost placement, unchanged base first): chr17-31327476-AC-A. GRCh37 (hg19) VCF-style: chr17-29654494-AC-A.
Other names: c.5206-19del (NM_000267.4).
Identifiers: ClinVar variation 5042173 (VCV005042173.1).
Genomic context (GRCh38, chr17:31,327,476, plus strand): 5'-TGGTTGGTTTCTGGAGCCTTTTAGAATTTTATGTAAAAGAGTTTAATTCTTCTCCACTTC[AC>A]CCCGTCACCACCACTTTCCAGGTTGGTTCTACTGCTGTCCAAGTAACTTCAGCAGAGCGA-3'